The following is an entry in ClinVar:

ClinVar aggregate classification (germline): Pathogenic/Likely pathogenic. Review status: criteria provided, multiple submitters, no conflicts (2 of 4 stars). 2 submissions from 2 submitters: Pathogenic (1); Likely pathogenic (1). Last evaluated 2022-01-28.

Conditions:
Tooth agenesis, selective, 7 (STHAG7). Identifiers: Orphanet 99798, MedGen C4225231, MONDO:0014749, OMIM 616724.

Submissions (2):

Revvity Omics, Revvity
Classification: Likely pathogenic for Tooth agenesis, selective, 7. Last evaluated: 2022-01-28. Review status: criteria provided, single submitter. Criteria: ACMG Guidelines, 2015. Collection method: clinical testing. Allele origin: germline.

Labcorp Genetics (formerly Invitae), Labcorp
Classification: Pathogenic. Last evaluated: 2019-04-23. Review status: criteria provided, single submitter. Criteria: Invitae Variant Classification Sherloc (09022015). Collection method: clinical testing. Allele origin: germline.
Comment: This variant has not been reported in the literature in individuals with LRP6-related disease. This variant is not present in population databases (ExAC no frequency). This sequence change creates a premature translational stop signal (p.Arg415*) in the LRP6 gene. It is expected to result in an absent or disrupted protein product. Loss-of-function variants in LRP6 are known to be pathogenic (PMID: 26387593). For these reasons, this variant has been classified as Pathogenic.

Literature cited by the submitters: PubMed 26387593 (cited by Labcorp Genetics (formerly Invitae), Labcorp).

NM_002336.3(LRP6):c.1243C>T (p.Arg415Ter)

Gene: LRP6 (LDL receptor related protein 6; minus strand). Cytogenetic location: 12p13.2.
Variant type: single nucleotide variant.
Coding change: c.1243C>T on transcript NM_002336.3 (MANE Select); coding-DNA position 1243, C replaced by T.
Protein change: p.Arg415Ter; replaces arginine 415 with a stop codon.
Molecular consequence: nonsense.
Genome position (GRCh38, 1-based): chr12:12,181,173, G>A on the plus strand (C>T on the coding strand, the complement: LRP6 is on the minus strand). VCF-style: chr12-12181173-G-A. GRCh37 (hg19) VCF-style: chr12-12334107-G-A.
Other names: short protein forms R415*.
Identifiers: ClinVar variation 947760 (VCV000947760.10), dbSNP rs1863335460, ClinGen allele CA383950788.